The following is an entry in ClinVar:

ClinVar aggregate classification (germline): Likely benign. Review status: criteria provided, multiple submitters, no conflicts (2 of 4 stars). 2 submissions from 2 submitters: Likely benign (2). Last evaluated 2023-11-01.

Conditions:
Imerslund-Grasbeck syndrome. Also called: PERNICIOUS ANEMIA, JUVENILE, DUE TO SELECTIVE INTESTINAL MALABSORPTION OF VITAMIN B12, WITH PROTEINURIA; Megaloblastic anemia due to inborn errors of metabolism; Imerslund-Gräsbeck syndrome; ENTEROCYTE COBALAMIN MALABSORPTION; ENTEROCYTE INTRINSIC FACTOR RECEPTOR, DEFECT OF. Identifiers: Orphanet 35858, MedGen C4551825, MONDO:0009853.

Allele frequency attached by ClinVar (database versions not stated): ExAC 0.00001; gnomAD 0.00003; TOPMed 0.00003.
gnomAD v4.1: 11 of 1,613,736 alleles (0.00068%); highest among the groups gnomAD compares: African/African-American, 0.0013%; no homozygotes.

Submissions (2):

Labcorp Genetics (formerly Invitae), Labcorp
Classification: Likely benign for Imerslund-Grasbeck syndrome. Last evaluated: 2023-11-01. Review status: criteria provided, single submitter. Criteria: Invitae Variant Classification Sherloc (09022015). Collection method: clinical testing. Allele origin: germline.

CeGaT Center for Human Genetics Tuebingen
Classification: Likely benign. Last evaluated: 2022-03-01. Review status: criteria provided, single submitter. Criteria: CeGaT Center For Human Genetics Tuebingen Variant Classification Criteria Version 2. Collection method: clinical testing. Allele origin: germline. Affected: yes. Observed: 1 variant allele.
Comment: CUBN: BP4, BP7

NM_001081.4(CUBN):c.2502C>T (p.Asn834=)

Gene: CUBN (cubilin; minus strand). Cytogenetic location: 10p13.
Variant type: single nucleotide variant.
Coding change: c.2502C>T on transcript NM_001081.4 (MANE Select); coding-DNA position 2502, C replaced by T.
Protein change: p.Asn834=; no amino-acid change (asparagine 834 retained).
Molecular consequence: synonymous variant.
Genome position (GRCh38, 1-based): chr10:17,071,549, G>A on the plus strand (C>T on the coding strand, the complement: CUBN is on the minus strand). VCF-style: chr10-17071549-G-A. GRCh37 (hg19) VCF-style: chr10-17113548-G-A.
Identifiers: ClinVar variation 2149568 (VCV002149568.28), dbSNP rs750007278, ClinGen allele CA5424956.